The following is an entry in ClinVar:

ClinVar aggregate classification (germline): Uncertain significance. Review status: criteria provided, multiple submitters, no conflicts (2 of 4 stars). 2 submissions from 2 submitters: Uncertain significance (2). Last evaluated 2025-12-17.

Conditions:
Inborn genetic diseases. Identifiers: MedGen C0950123, MeSH D030342.

Allele frequency attached by ClinVar (database versions not stated): TOPMed 0.00005; gnomAD exomes below 0.00001; gnomAD 0.00003.
gnomAD v4.1: 6 of 1,613,022 alleles (0.00037%); highest among the groups gnomAD compares: African/African-American, 0.008%; no homozygotes.

Submissions (2):

Ambry Genetics
Classification: Uncertain significance for Inborn genetic diseases. Last evaluated: 2025-12-17. Review status: criteria provided, single submitter. Criteria: Ambry Variant Classification Scheme 2023. Collection method: clinical testing. Allele origin: germline.

GeneDx
Classification: Uncertain significance. Last evaluated: 2023-01-31. Review status: criteria provided, single submitter. Criteria: GeneDx Variant Classification Process June 2021. Collection method: clinical testing. Allele origin: germline. Affected: yes.
Comment: Not observed at significant frequency in large population cohorts (gnomAD); In silico analysis supports that this missense variant does not alter protein structure/function; Has not been previously published as pathogenic or benign to our knowledge

NM_020442.6(VARS2):c.3148C>A (p.Gln1050Lys)

Gene: VARS2 (valyl-tRNA synthetase 2, mitochondrial; plus strand). Cytogenetic location: 6p21.33.
Variant type: single nucleotide variant.
Coding change: c.3148C>A on transcript NM_020442.6 (MANE Select); coding-DNA position 3148, C replaced by A.
Protein change: p.Gln1050Lys; replaces glutamine 1050 with lysine.
Molecular consequence: missense variant.
Genome position (GRCh38, 1-based): chr6:30,926,166, C>A. VCF-style: chr6-30926166-C-A. GRCh37 (hg19) VCF-style: chr6-30893943-C-A.
Other names: c.2728C>A, p.Gln910Lys (NM_001167733.3); c.3238C>A, p.Gln1080Lys (NM_001167734.2); short protein forms Q1050K, Q1080K, Q910K.
Identifiers: ClinVar variation 2574559 (VCV002574559.2), dbSNP rs918881062, ClinGen allele CA136813208.